The following is an entry in ClinVar:

ClinVar aggregate classification (germline): Uncertain significance (1 of 4 stars; one submission).

Conditions:
Dilated cardiomyopathy 1G (CMD1G). Identifiers: Orphanet 154, MedGen C1858763, MONDO:0011400, OMIM 604145.
Autosomal recessive limb-girdle muscular dystrophy type 2J (LGMDR10). Also called: Limb-girdle muscular dystrophy, type 2J; MUSCULAR DYSTROPHY, LIMB-GIRDLE, AUTOSOMAL RECESSIVE 10. Identifiers: Orphanet 140922, MedGen C1837342, MONDO:0012127, OMIM 608807.

Submission:

Labcorp Genetics (formerly Invitae), Labcorp
Classification: Uncertain significance for Dilated cardiomyopathy 1G; Autosomal recessive limb-girdle muscular dystrophy type 2J. Last evaluated: 2019-11-01. Review status: criteria provided, single submitter. Criteria: Invitae Variant Classification Sherloc (09022015). Collection method: clinical testing. Allele origin: germline.
Comment: This sequence change replaces aspartic acid with glutamic acid at codon 34342 of the TTN protein (p.Asp34342Glu). There is a small physicochemical difference between aspartic acid and glutamic acid. This variant is not present in population databases (ExAC no frequency). This variant has not been reported in the literature in individuals with TTN-related conditions. In summary, the available evidence is currently insufficient to determine the role of this variant in disease. Therefore, it has been classified as a Variant of Uncertain Significance. Algorithms developed to predict the effect of missense changes on protein structure and function are unavailable for the TTN gene. This variant is located in the M band of TTN (PMID: 25589632). Variants in this region may be relevant for neuromuscular disorders, but have not been definitively shown to cause cardiomyopathy (PMID: 23975875).

Literature cited by the submitters: PubMed 25589632; PubMed 23975875.

NM_001267550.2(TTN):c.103026C>G (p.Asp34342Glu)

Genes: TTN (titin; minus strand), TTN-AS1 (TTN antisense RNA 1; plus strand). Cytogenetic location: 2q31.2.
Variant type: single nucleotide variant.
Coding change: c.103026C>G on transcript NM_001267550.2 (MANE Select); coding-DNA position 103026, C replaced by G.
Protein change: p.Asp34342Glu; replaces aspartic acid 34342 with glutamic acid.
Molecular consequence: missense variant.
Genome position (GRCh38, 1-based): chr2:178,533,589, G>C on the plus strand (C>G on the coding strand, the complement: TTN is on the minus strand). VCF-style: chr2-178533589-G-C. GRCh37 (hg19) VCF-style: chr2-179398316-G-C.
Other names: c.98103C>G, p.Asp32701Glu (NM_001256850.1); c.75831C>G, p.Asp25277Glu (NM_003319.4); c.95322C>G, p.Asp31774Glu (NM_133378.4); c.76206C>G, p.Asp25402Glu (NM_133432.3); c.76407C>G, p.Asp25469Glu (NM_133437.4); short protein forms D32701E, D25402E, D25469E, D25277E, D31774E, D34342E.
Identifiers: ClinVar variation 968536 (VCV000968536.8), dbSNP rs1690121378, ClinGen allele CA349415454.
Genomic context (GRCh38, chr2:178,533,589, plus strand): 5'-TCTTAAGGTACTATCTGTTGGAGGTGGGTGTAGGGTTACTGTCAGCTTTGCTTTACAGCT[G>C]TCTTCACCATATTTGTTCCTTGCCACAACAGTATATTCAGCGTCATCATCTGTAGTGACA-3'
Protein context (NP_001254479.2, residues 34332-34352): TVVARNKYGE[Asp34342Glu]SCKAKLTVTL